The following is an entry in ClinVar:

ClinVar aggregate classification (germline): Uncertain significance (1 of 4 stars; one submission).

Conditions:
Intellectual developmental disorder with microcephaly and with or without ocular malformations or hypogonadotropic hypogonadism. Also called: Intellectual disability, autosomal dominant 27; Coffin-Siris Syndrome 9. Identifiers: Orphanet 1465, MedGen C4014528, MONDO:0014376, OMIM 615866.

Submission:

Laboratorio de Genetica e Diagnostico Molecular, Hospital Israelita Albert Einstein
Classification: Uncertain significance for Intellectual developmental disorder with microcephaly and with or without ocular malformations or hypogonadotropic hypogonadism. Last evaluated: 2026-04-07. Review status: criteria provided, single submitter. Criteria: ACMG Guidelines, 2015. Collection method: clinical testing. Allele origin: germline. Affected: yes.
Comment: ACMG classification criteria: PVS1 strong, PM2 supporting

NM_003108.4(SOX11):c.504del (p.Lys169fs)

Gene: SOX11 (SRY-box transcription factor 11; plus strand). Cytogenetic location: 2p25.2.
Variant type: Deletion.
Coding change: c.504del on transcript NM_003108.4 (MANE Select); coding-DNA position 504, one base deleted (C; older notation c.504delC).
Protein change: p.Lys169fs; shifts the reading frame from lysine 169.
Molecular consequence: frameshift variant.
Genome position (GRCh38, 1-based): chr2:5,693,225, C deleted. VCF-style (leftmost placement, unchanged base first): chr2-5693224-GC-G. GRCh37 (hg19) VCF-style: chr2-5833356-GC-G.
Other names: short protein forms K169fs.
Identifiers: ClinVar variation 4846940 (VCV004846940.1).